The following is an entry in ClinVar:

NM_000525.4(KCNJ11):c.*1055T>A

Gene: KCNJ11 (potassium inwardly rectifying channel subfamily J member 11; minus strand). Cytogenetic location: 11p15.1.
Variant type: single nucleotide variant.
Coding change: c.*1055T>A on transcript NM_000525.4 (MANE Select); 1055 bases downstream of the stop codon, T replaced by A.
Molecular consequence: 3 prime UTR variant.
Genome position (GRCh38, 1-based): chr11:17,385,864, A>T on the plus strand (T>A on the coding strand, the complement: KCNJ11 is on the minus strand). VCF-style: chr11-17385864-A-T. GRCh37 (hg19) VCF-style: chr11-17407411-A-T.
Other names: c.*1055T>A (NM_001166290.2, NM_001377296.1, NM_001377297.1).
Identifiers: ClinVar variation 303710 (VCV000303710.6), dbSNP rs886048032, ClinGen allele CA10634182.
Genomic context (GRCh38, chr11:17,385,864, plus strand): 5'-CCCTTCCCACCAGCATGCTTGCTGCCTCCCCAGCAAGAAAAGCCCAGAGTTTAGGTCATG[A>T]GGGGGAGGCTTTATTGACAACGGAGAAGGCAGAGTTCTAGGCAAGTTCACACAACACTGC-3'

ClinVar aggregate classification (germline): Uncertain significance. Review status: criteria provided, multiple submitters, no conflicts (2 of 4 stars). 4 submissions from 2 submitters: Uncertain significance (4). Last evaluated 2018-01-12.

Conditions:
Maturity-onset diabetes of the young type 13. Also called: MODY, TYPE 13. Identifiers: Orphanet 552, MedGen C4225365, MONDO:0014589, OMIM 616329.
Maturity-onset diabetes of the young (MODY). Also called: Maturity onset diabetes mellitus in young. Identifiers: Orphanet 552, MedGen C0342276, MONDO:0018911, HP:0004904.
Diabetes mellitus, transient neonatal, 3 (TNDM3). Identifiers: Orphanet 99886, MedGen C1864623, MONDO:0012522, OMIM 610582. Disease mechanism: loss of function.
Hyperinsulinemic hypoglycemia, familial, 2. Also called: HYPERINSULINEMIC HYPOGLYCEMIA, PERSISTENT; HYPERINSULINISM, NEONATAL. Identifiers: Orphanet 276580, Orphanet 276603, MedGen C2931833, MONDO:0011153, OMIM 601820. Disease mechanism: loss of function.

Allele frequency attached by ClinVar (database versions not stated): gnomAD 0.00002 and 0.00003; TOPMed 0.00008.

Submissions (4):

Illumina Laboratory Services, Illumina
Classification: Uncertain significance for Hyperinsulinemic hypoglycemia, familial, 2. Last evaluated: 2018-01-12. Review status: criteria provided, single submitter. Criteria: ICSL Variant Classification Criteria 13 December 2019. Collection method: clinical testing. Allele origin: germline.

Illumina Laboratory Services, Illumina
Classification: Uncertain significance for Maturity-onset diabetes of the young type 13. Last evaluated: 2018-01-12. Review status: criteria provided, single submitter. Criteria: ICSL Variant Classification Criteria 13 December 2019. Collection method: clinical testing. Allele origin: germline.

Illumina Laboratory Services, Illumina
Classification: Uncertain significance for Diabetes mellitus, transient neonatal, 3. Last evaluated: 2018-01-12. Review status: criteria provided, single submitter. Criteria: ICSL Variant Classification Criteria 13 December 2019. Collection method: clinical testing. Allele origin: germline.

Clinical Genomics, Uppaluri K&H Personalized Medicine Clinic
Classification: Uncertain significance for Maturity-onset diabetes of the young. Review status: criteria provided, single submitter. Criteria: K & H Uppaluri Personalized Medicine Clinic Variant Classification & Assertion Criteria_Updated V.1. Collection method: research. Allele origin: somatic. Inheritance: Autosomal dominant inheritance.
Comment: Mutations in KCNJ11 gene can cause decreased production and secretion of insulin. This can lead to MODY which may be responsive to oral sulfonylureas. It is also associated with Neonatal Diabetes. However, no sufficient evidence is found to ascertain the role of this particular variant (rs886048032) in MODY yet.

Literature cited by the submitters: PubMed 26448950 (cited by Clinical Genomics, Uppaluri K&H Personalized Medicine Clinic); PubMed 15580558 (cited by Clinical Genomics, Uppaluri K&H Personalized Medicine Clinic); PubMed 15718250 (cited by Clinical Genomics, Uppaluri K&H Personalized Medicine Clinic); PubMed 32935446 (cited by Clinical Genomics, Uppaluri K&H Personalized Medicine Clinic); PubMed 22701567 (cited by Clinical Genomics, Uppaluri K&H Personalized Medicine Clinic).